The following is an entry in ClinVar:

ClinVar aggregate classification (germline): Likely benign (1 of 4 stars; one submission).

gnomAD v4.1: 92 of 1,614,008 alleles (0.0057%); highest among the groups gnomAD compares: Admixed American, 0.11%; no homozygotes.

Submission:

CeGaT Center for Human Genetics Tuebingen
Classification: Likely benign. Last evaluated: 2026-02-01. Review status: criteria provided, single submitter. Criteria: CeGaT Center For Human Genetics Tuebingen Variant Classification Criteria Version 2. Collection method: clinical testing. Allele origin: germline. Affected: yes. Observed: 1 variant allele.
Comment: UBAP2L: BP4, BS1

NM_014847.4(UBAP2L):c.2087C>T (p.Thr696Met)

Gene: UBAP2L (ubiquitin associated protein 2 like; plus strand). Cytogenetic location: 1q21.3.
Variant type: single nucleotide variant.
Coding change: c.2087C>T on transcript NM_014847.4 (MANE Select); coding-DNA position 2087, C replaced by T.
Protein change: p.Thr696Met; replaces threonine 696 with methionine.
Molecular consequence: missense variant.
Genome position (GRCh38, 1-based): chr1:154,255,685, C>T. VCF-style: chr1-154255685-C-T. GRCh37 (hg19) VCF-style: chr1-154228161-C-T.
Other names: c.2087C>T, p.Thr696Met (NM_001127320.3, NM_001375614.1, NM_001375615.1 and 14 more transcripts); c.2066C>T, p.Thr689Met (NM_001287815.1); c.2120C>T, p.Thr707Met (NM_001287816.1, NM_001330730.1, NM_001375612.1 and 2 more transcripts); short protein forms T689M, T696M, T707M.
Identifiers: ClinVar variation 4823281 (VCV004823281.4).